The following is an entry in ClinVar:

NM_007294.4(BRCA1):c.2884G>A (p.Glu962Lys)

Gene: BRCA1 (BRCA1 DNA repair associated; minus strand). Cytogenetic location: 17q21.31.
Variant type: single nucleotide variant.
Coding change: c.2884G>A on transcript NM_007294.4 (MANE Select); coding-DNA position 2884, G replaced by A.
Protein change: p.Glu962Lys; replaces glutamic acid 962 with lysine.
Molecular consequence: missense variant. On other transcripts: intron variant (137).
Genome position (GRCh38, 1-based): chr17:43,092,647, C>T on the plus strand (G>A on the coding strand, the complement: BRCA1 is on the minus strand). VCF-style: chr17-43092647-C-T. GRCh37 (hg19) VCF-style: chr17-41244664-C-T.
Other names: p.E962K:GAA>AAA; c.2683G>A, p.Glu895Lys (NM_001407862.1); c.2761G>A, p.Glu921Lys (NM_001407863.1, NM_001407919.1, NM_001407937.1 and 19 more transcripts); c.2680G>A, p.Glu894Lys (NM_001407874.1, NM_001407875.1); c.2674G>A, p.Glu892Lys (NM_001407879.1, NM_001407881.1, NM_001407882.1 and 13 more transcripts); c.2671G>A, p.Glu891Lys (NM_001407894.1, NM_001407895.1, NM_001407896.1 and 9 more transcripts); c.2620G>A, p.Glu874Lys (NM_001407920.1, NM_001407921.1, NM_001407922.1 and 9 more transcripts); c.2617G>A, p.Glu873Lys (NM_001407930.1, NM_001407931.1, NM_001407932.1 and 2 more transcripts); and 42 more; short protein forms E962K, E915K, E834K, E835K, E851K, E873K, E794K, E920K.
Identifiers: ClinVar variation 54709 (VCV000054709.32), dbSNP rs80356955, ClinGen allele CA001881.

ClinVar aggregate classification (germline): Benign. Review status: reviewed by expert panel (3 of 4 stars). 11 submissions from 11 submitters: Benign (1). 10 of the submissions do not count toward it. Last evaluated 2019-06-18.

Conditions:
BRCA1-related disorder. Also called: BRCA1-related condition.
Hereditary cancer-predisposing syndrome. Also called: Tumor predisposition; Neoplastic Syndromes, Hereditary; Hereditary Cancer Syndrome; Hereditary neoplastic syndrome. Identifiers: Orphanet 140162, MedGen C0027672, MeSH D009386, MONDO:0015356.
Hereditary breast ovarian cancer syndrome. Also called: Hereditary breast and ovarian cancer syndrome (HBOC); Hereditary breast and ovarian cancer syndrome; Hereditary breast and ovarian cancer; Hereditary breast and/or ovarian cancer syndrome; Breast and ovarian cancer; BRCA1- and BRCA2-Associated Hereditary Breast and Ovarian Cancer. Identifiers: Orphanet 145, MedGen C0677776, MeSH D061325, MONDO:0003582. Disease mechanism: loss of function.
Breast-ovarian cancer, familial, susceptibility to, 1 (BROVCA1). Also called: OVARIAN CANCER, SUSCEPTIBILITY TO; BRCA1 Hereditary Breast and Ovarian Cancer. Identifiers: Orphanet 145, MedGen C2676676, MONDO:0011450, OMIM 604370. Disease mechanism: loss of function.

Allele frequency attached by ClinVar (database versions not stated): ExAC 0.00001; gnomAD exomes 0.00001 and 0.00002; gnomAD 0.00004; TOPMed 0.00004.
gnomAD v4.1: 35 of 1,613,898 alleles (0.0022%); highest among the groups gnomAD compares: South Asian, 0.0044%; no homozygotes.

Submissions (11):

Evidence-based Network for the Interpretation of Germline Mutant Alleles (ENIGMA)
Classification: Benign for Breast-ovarian cancer, familial, susceptibility to, 1. Last evaluated: 2019-06-18. Review status: reviewed by expert panel. Criteria: ENIGMA BRCA1/2 Classification Criteria (2017-06-29). Collection method: curation. Allele origin: germline.
Comment: IARC class based on posterior probability from multifactorial likelihood analysis, thresholds for class as per Plon et al. 2008 (PMID: 18951446). Class 1 based on posterior probability = 0.000971

PreventionGenetics, part of Exact Sciences
Classification: Benign for BRCA1-related condition. Last evaluated: 2026-04-01. Review status: criteria provided, single submitter. Criteria: ACMG Guidelines, 2015. Collection method: clinical testing. Allele origin: germline. Not counted in ClinVar's aggregate classification.
Comment: This variant is classified as benign based on ACMG/AMP sequence variant interpretation guidelines (Richards et al. 2015 PMID: 25741868, with internal and published modifications).

Labcorp Genetics (formerly Invitae), Labcorp
Classification: Likely benign for Hereditary breast ovarian cancer syndrome. Last evaluated: 2025-10-23. Review status: criteria provided, single submitter. Criteria: Invitae Variant Classification Sherloc (09022015). Collection method: clinical testing. Allele origin: germline. Not counted in ClinVar's aggregate classification.

Quest Diagnostics Nichols Institute San Juan Capistrano
Classification: Likely benign. Last evaluated: 2025-04-29. Review status: criteria provided, single submitter. Criteria: Quest Diagnostics criteria. Collection method: clinical testing. Allele origin: unknown. Not counted in ClinVar's aggregate classification.

Ambry Genetics
Classification: Likely benign for Hereditary cancer-predisposing syndrome. Last evaluated: 2021-02-03. Review status: criteria provided, single submitter. Criteria: Ambry Variant Classification Scheme 2023. Collection method: clinical testing. Allele origin: germline. Not counted in ClinVar's aggregate classification.

ARUP Laboratories, Molecular Genetics and Genomics, ARUP Laboratories
Classification: Likely benign. Last evaluated: 2020-10-23. Review status: criteria provided, single submitter. Criteria: ARUP Molecular Germline Variant Investigation Process 2021. Collection method: clinical testing. Allele origin: germline. Not counted in ClinVar's aggregate classification.

GeneDx
Classification: Uncertain significance. Last evaluated: 2018-11-06. Review status: criteria provided, single submitter. Criteria: GeneDx Variant Classification (06012015). Collection method: clinical testing. Allele origin: germline. Affected: yes. Not counted in ClinVar's aggregate classification.
Comment: This variant is denoted BRCA1 c.2884G>A at the cDNA level, p.Glu962Lys (E962K) at the protein level, and results in the change of a Glutamic Acid to a Lysine (GAA>AAA). An in vitro-based homology-directed repair (HDR) assay showed this variant to exhibit HDR activity comparable to wildtype (Lu 2015). BRCA1 Glu962Lys was not observed at a significant allele frequency in large population cohorts (Lek 2016). This variant is located within the DNA and RAD51 binding domains (Chen 1998, Narod 2004). In silico analysis, which includes protein predictors and evolutionary conservation, supports that this variant does not alter protein structure/function. Based on currently available evidence, it is unclear whether BRCA1 Glu962Lys is a pathogenic or benign variant. We consider it to be a variant of uncertain significance.

Women's Health and Genetics/Laboratory Corporation of America, LabCorp
Classification: Uncertain significance. Last evaluated: 2017-12-28. Review status: criteria provided, single submitter. Criteria: LabCorp Variant Classification Summary - May 2015. Collection method: clinical testing. Allele origin: germline. Not counted in ClinVar's aggregate classification.
Comment: Variant summary: The BRCA1 c.2884G>A (p.Glu962Lys) variant involves the alteration of a non-conserved nucleotide, that results in the substitution of a glutamine amino acid for lysine in the DNA binding domain of the BRCA1 protein (Lu 2015). Since a lysine amino acid residue is found in multiple mammalian species at this position, this suggests that the variant of interest might not adversely affect protein function. 3/5 in silico tools predict a benign outcome for this variant. Moreover, in a functional study the variant protein was found to have a similar homology-directed repair (HDR) activity to the wild type protein (Lu 2015). This variant was found in 4/277044 control chromosomes at a frequency of 0.0000144, which does not exceed the estimated maximal expected allele frequency of a pathogenic BRCA1 variant (0.0010005). Though the variant has been reported in HBOC patients (Judkins 2005, Borg 2010), no convincing evidence was provided for causality. This variant has been reported in five patients in the UMD database, however a pathogenic BRCA2 variant (c.145G>T (p.Glu49X)) was also present in one of the patients, suggesting that the variant of interest was not the primary cause of disease in this patient. Though multiple clinical diagnostic laboratories/reputable databases classified this variant as uncertain significance, considering all the available evidence, this variant is classified as VUS possibly benign.

Color Diagnostics, LLC DBA Color Health
Classification: Benign for Hereditary cancer-predisposing syndrome. Last evaluated: 2016-03-30. Review status: criteria provided, single submitter. Criteria: ACMG Guidelines, 2015. Collection method: clinical testing. Allele origin: germline. Not counted in ClinVar's aggregate classification.

BRCAlab, Lund University
Classification: Benign for Breast-ovarian cancer, familial, susceptibility to, 1. Last evaluated: 2020-03-02. Review status: no assertion criteria provided. Collection method: clinical testing. Allele origin: germline. Affected: yes. Not counted in ClinVar's aggregate classification.

Breast Cancer Information Core (BIC) (BRCA1)
Classification: Uncertain significance for Breast-ovarian cancer, familial 1. Last evaluated: 2004-02-20. Review status: no assertion criteria provided. Collection method: clinical testing. Allele origin: germline. Affected: yes. Observed: 2 variant alleles. Not counted in ClinVar's aggregate classification.

Literature cited by the submitters: PubMed 31131967 (cited by Evidence-based Network for the Interpretation of Germline Mutant Alleles (ENIGMA) and Quest Diagnostics Nichols Institute San Juan Capistrano); PubMed 16267036 (cited by 3 submitters); PubMed 20104584 (cited by 3 submitters); PubMed 25348012 (cited by Quest Diagnostics Nichols Institute San Juan Capistrano); PubMed 26689913 (cited by 3 submitters); PubMed 32599251 (cited by Quest Diagnostics Nichols Institute San Juan Capistrano); PubMed 31409081 (cited by Ambry Genetics); PubMed 21520273 (cited by Women's Health and Genetics/Laboratory Corporation of America, LabCorp); PubMed 15385441 (cited by Women's Health and Genetics/Laboratory Corporation of America, LabCorp).